The following is an entry in ClinVar:

NM_006614.4(CHL1):c.2281C>T (p.Leu761=)

Gene: CHL1 (cell adhesion molecule L1 like; plus strand). Cytogenetic location: 3p26.3.
Variant type: single nucleotide variant.
Coding change: c.2281C>T on transcript NM_006614.4 (MANE Select); coding-DNA position 2281, C replaced by T.
Protein change: p.Leu761=; no amino-acid change (leucine 761 retained).
Molecular consequence: synonymous variant.
Genome position (GRCh38, 1-based): chr3:389,285, C>T. VCF-style: chr3-389285-C-T. GRCh37 (hg19) VCF-style: chr3-430968-C-T.
Other names: c.2233C>T, p.Leu745= (NM_001253387.2); c.2281C>T, p.Leu761= (NM_001253388.1).
Identifiers: ClinVar variation 2653437 (VCV002653437.24), dbSNP rs115357599, ClinGen allele CA2225075.

ClinVar aggregate classification (germline): Benign (1 of 4 stars; one submission).

Allele frequency attached by ClinVar (database versions not stated): 1000 Genomes Project 30x 0.00593; 1000 Genomes Project 0.00619; TOPMed 0.00883; ESP Exome Variant Server 0.00961; gnomAD 0.00971; ExAC 0.01372.
gnomAD v4.1: 19,173 of 1,613,154 alleles (1.2%); highest among the groups gnomAD compares: Middle Eastern, 2.5%; 150 homozygotes.

Submission:

CeGaT Center for Human Genetics Tuebingen
Classification: Benign. Last evaluated: 2025-05-01. Review status: criteria provided, single submitter. Criteria: CeGaT Center For Human Genetics Tuebingen Variant Classification Criteria Version 2. Collection method: clinical testing. Allele origin: germline. Affected: yes. Observed: 4 variant alleles.
Comment: CHL1: BP4, BP7, BS1, BS2